The following is an entry in ClinVar:

NM_173546.3(KLHDC8B):c.913G>A (p.Ala305Thr)

Gene: KLHDC8B (kelch domain containing 8B; plus strand). Cytogenetic location: 3p21.31.
Variant type: single nucleotide variant.
Coding change: c.913G>A on transcript NM_173546.3 (MANE Select); coding-DNA position 913, G replaced by A.
Protein change: p.Ala305Thr; replaces alanine 305 with threonine.
Molecular consequence: missense variant.
Genome position (GRCh38, 1-based): chr3:49,175,649, G>A. VCF-style: chr3-49175649-G-A. GRCh37 (hg19) VCF-style: chr3-49213082-G-A.
Other names: short protein forms A305T.
Identifiers: ClinVar variation 4705998 (VCV004705998.1).

ClinVar aggregate classification (germline): Uncertain significance (1 of 4 stars; one submission).

gnomAD v4.1: 8 of 1,602,618 alleles (0.0005%); highest among the groups gnomAD compares: Admixed American, 0.0017%; no homozygotes.

Submission:

Labcorp Genetics (formerly Invitae), Labcorp
Classification: Uncertain significance. Last evaluated: 2025-12-30. Review status: criteria provided, single submitter. Criteria: Invitae Variant Classification Sherloc (09022015). Collection method: clinical testing. Allele origin: germline.
Comment: This sequence change replaces alanine, which is neutral and non-polar, with threonine, which is neutral and polar, at codon 305 of the KLHDC8B protein (p.Ala305Thr). This variant is present in population databases (rs777729580, gnomAD 0.003%). This variant has not been reported in the literature in individuals affected with KLHDC8B-related conditions. An algorithm developed to predict the effect of missense changes on protein structure and function outputs the following: PolyPhen-2: "Benign". The threonine amino acid residue is found in multiple mammalian species, which suggests that this missense change does not adversely affect protein function. In summary, the available evidence is currently insufficient to determine the role of this variant in disease. Therefore, it has been classified as a Variant of Uncertain Significance.